The following is an entry in ClinVar:

NM_000540.3(RYR1):c.9642C>A (p.Asn3214Lys)

Gene: RYR1 (ryanodine receptor 1; plus strand). Cytogenetic location: 19q13.2.
Variant type: single nucleotide variant.
Coding change: c.9642C>A on transcript NM_000540.3 (MANE Select); coding-DNA position 9642, C replaced by A.
Protein change: p.Asn3214Lys; replaces asparagine 3214 with lysine.
Molecular consequence: missense variant.
Genome position (GRCh38, 1-based): chr19:38,516,174, C>A. VCF-style: chr19-38516174-C-A. GRCh37 (hg19) VCF-style: chr19-39006814-C-A.
Other names: c.9642C>A, p.Asn3214Lys (NM_001042723.2); short protein forms N3214K.
Identifiers: ClinVar variation 2157832 (VCV002157832.4), dbSNP rs200736343, ClinGen allele CA405690566.

ClinVar aggregate classification (germline): Uncertain significance (1 of 4 stars; one submission).

Conditions:
RYR1-related disorder. Also called: RYR1-related condition; RYR1-related disorders. Identifiers: MedGen CN239331.

Submission:

Labcorp Genetics (formerly Invitae), Labcorp
Classification: Uncertain significance for RYR1-related disorder. Last evaluated: 2021-12-06. Review status: criteria provided, single submitter. Criteria: Invitae Variant Classification Sherloc (09022015). Collection method: clinical testing. Allele origin: germline.
Comment: In summary, the available evidence is currently insufficient to determine the role of this variant in disease. Therefore, it has been classified as a Variant of Uncertain Significance. Algorithms developed to predict the effect of missense changes on protein structure and function are either unavailable or do not agree on the potential impact of this missense change (SIFT: "Deleterious"; PolyPhen-2: "Benign"; Align-GVGD: "Class C0"). This variant has not been reported in the literature in individuals affected with RYR1-related conditions. This variant is not present in population databases (gnomAD no frequency). This sequence change replaces asparagine, which is neutral and polar, with lysine, which is basic and polar, at codon 3214 of the RYR1 protein (p.Asn3214Lys).